The following is an entry in ClinVar:

NM_001370298.3(FGD4):c.*4497G>A

Gene: FGD4 (FYVE, RhoGEF and PH domain containing 4; plus strand). Cytogenetic location: 12p11.21.
Variant type: single nucleotide variant.
Coding change: c.*4497G>A on transcript NM_001370298.3 (MANE Select); 4497 bases downstream of the stop codon, G replaced by A.
Molecular consequence: 3 prime UTR variant.
Genome position (GRCh38, 1-based): chr12:32,645,030, G>A. VCF-style: chr12-32645030-G-A. GRCh37 (hg19) VCF-style: chr12-32797964-G-A.
Other names: c.*4497G>A (NM_001304481.2, NM_001304484.2, NM_001330373.2 and 5 more transcripts); c.*405G>A (NM_001384126.1, NM_001384127.1, NM_001384128.1).
Identifiers: ClinVar variation 308363 (VCV000308363.5), dbSNP rs367545740, ClinGen allele CA10640953.

ClinVar aggregate classification (germline): Likely benign (1 of 4 stars; one submission).

Conditions:
Charcot-Marie-Tooth disease type 4H (CMT4H). Also called: CHARCOT-MARIE-TOOTH DISEASE, AUTOSOMAL RECESSIVE, TYPE 4H; CHARCOT-MARIE-TOOTH DISEASE, DEMYELINATING, AUTOSOMAL RECESSIVE, TYPE 4H; CHARCOT-MARIE-TOOTH NEUROPATHY, TYPE 4H; CHARCOT-MARIE-TOOTH DISEASE, DEMYELINATING, TYPE 4H. Identifiers: Orphanet 99954, MedGen C1836336, MONDO:0012250, OMIM 609311.

Allele frequency attached by ClinVar (database versions not stated): 1000 Genomes Project 30x 0.00109; TOPMed 0.00344; 1000 Genomes Project 0.00080; gnomAD 0.00303.

Submission:

Illumina Laboratory Services, Illumina
Classification: Likely benign for Charcot-Marie-Tooth disease type 4H. Last evaluated: 2018-01-13. Review status: criteria provided, single submitter. Criteria: ICSL Variant Classification Criteria 13 December 2019. Collection method: clinical testing. Allele origin: germline.
Comment: This variant was observed in the ICSL laboratory as part of a predisposition screen in an ostensibly healthy population. It had not been previously curated by ICSL or reported in the Human Gene Mutation Database (HGMD: prior to June 1st, 2018), and was therefore a candidate for classification through an automated scoring system. Utilizing variant allele frequency, disease prevalence and penetrance estimates, and inheritance mode, an automated score was calculated to assess if this variant is too frequent to cause the disease. Based on the score and internal cut-off values, a variant classified as likely benign is not then subjected to further curation. The score for this variant resulted in a classification of likely benign for this disease.